The following is an entry in ClinVar:

ClinVar aggregate classification (germline): Conflicting classifications of pathogenicity. Review status: criteria provided, conflicting classifications (1 of 4 stars). 3 submissions from 3 submitters: Uncertain significance (2); Likely benign (1). Last evaluated 2025-11-19.

Conditions:
Early Myoclonic Encephalopathy. Identifiers: MedGen C0270855.

Allele frequency attached by ClinVar (database versions not stated): gnomAD exomes 0.00009 and 0.00004; ExAC 0.00002; gnomAD 0.00002 and 0.00001; TOPMed 0.00004.
gnomAD v4.1: 130 of 1,614,110 alleles (0.0081%); highest among the groups gnomAD compares: Non-Finnish European, 0.011%; no homozygotes.

Submissions (3):

Labcorp Genetics (formerly Invitae), Labcorp
Classification: Uncertain significance for Early Myoclonic Encephalopathy. Last evaluated: 2025-11-19. Review status: criteria provided, single submitter. Criteria: Invitae Variant Classification Sherloc (09022015). Collection method: clinical testing. Allele origin: germline.
Comment: This sequence change replaces threonine, which is neutral and polar, with alanine, which is neutral and non-polar, at codon 1313 of the JMJD1C protein (p.Thr1313Ala). This variant is present in population databases (rs773518308, gnomAD 0.007%). This variant has not been reported in the literature in individuals affected with JMJD1C-related conditions. ClinVar contains an entry for this variant (Variation ID: 665096). Invitae Evidence Modeling of protein sequence and biophysical properties (such as structural, functional, and spatial information, amino acid conservation, physicochemical variation, residue mobility, and thermodynamic stability) indicates that this missense variant is not expected to disrupt JMJD1C protein function with a negative predictive value of 80%. In summary, the available evidence is currently insufficient to determine the role of this variant in disease. Therefore, it has been classified as a Variant of Uncertain Significance.

Laboratory of Genetics, Children's Clinical University Hospital Latvia
Classification: Likely benign. Last evaluated: 2025-02-16. Review status: criteria provided, single submitter. Criteria: ACMG Guidelines, 2015. Collection method: clinical testing. Allele origin: germline. Affected: yes.

Ambry Genetics
Classification: Uncertain significance. Last evaluated: 2023-11-13. Review status: criteria provided, single submitter. Criteria: Ambry Variant Classification Scheme 2023. Collection method: clinical testing. Allele origin: germline.

NM_032776.3(JMJD1C):c.3937A>G (p.Thr1313Ala)

Gene: JMJD1C (jumonji domain containing 1C; minus strand). Cytogenetic location: 10q21.3.
Variant type: single nucleotide variant.
Coding change: c.3937A>G on transcript NM_032776.3 (MANE Select); coding-DNA position 3937, A replaced by G.
Protein change: p.Thr1313Ala; replaces threonine 1313 with alanine.
Molecular consequence: missense variant. On other transcripts: non-coding transcript variant (1).
Genome position (GRCh38, 1-based): chr10:63,207,732, T>C on the plus strand (A>G on the coding strand, the complement: JMJD1C is on the minus strand). VCF-style: chr10-63207732-T-C. GRCh37 (hg19) VCF-style: chr10-64967492-T-C.
Other names: c.3937A>G (NM_032776.1); c.3391A>G, p.Thr1131Ala (NM_001282948.2, NM_001318154.2); c.3073A>G, p.Thr1025Ala (NM_001318153.2); c.3823A>G, p.Thr1275Ala (NM_001322252.2); c.3280A>G, p.Thr1094Ala (NM_001322254.2, NM_001322258.2); short protein forms T1025A, T1275A, T1094A, T1313A, T1131A.
Identifiers: ClinVar variation 665096 (VCV000665096.12), dbSNP rs773518308, ClinGen allele CA5518356.